The following is an entry in ClinVar:

NM_002335.4(LRP5):c.893G>A (p.Arg298His)

Gene: LRP5 (LDL receptor related protein 5; plus strand). Cytogenetic location: 11q13.2.
Variant type: single nucleotide variant.
Coding change: c.893G>A on transcript NM_002335.4 (MANE Select); coding-DNA position 893, G replaced by A.
Protein change: p.Arg298His; replaces arginine 298 with histidine.
Molecular consequence: missense variant. On other transcripts: 5 prime UTR variant (1).
Genome position (GRCh38, 1-based): chr11:68,365,580, G>A. VCF-style: chr11-68365580-G-A. GRCh37 (hg19) VCF-style: chr11-68133048-G-A.
Other names: c.-873G>A (NM_001291902.2); short protein forms R298H.
Identifiers: ClinVar variation 3063806 (VCV003063806.1), dbSNP rs1008957697, ClinGen allele CA224240577.
Genomic context (GRCh38, chr11:68,365,580, plus strand): 5'-AGTGACGGTCCTCTTCTGGAACCTTCTCTCACTCTGTCCTGGTTTTCTCAGTCCACACTC[G>A]CTGTGAGGAGGACAATGGCGGCTGCTCCCACCTGTGCCTGCTGTCCCCAAGCGAGCCTTT-3'
Protein context (NP_002326.2, residues 288-308): SQERQPFFHT[Arg298His]CEEDNGGCSH

ClinVar aggregate classification (germline): Uncertain significance (1 of 4 stars; one submission).

gnomAD v4.1: 4 of 1,613,918 alleles (0.00025%); highest among the groups gnomAD compares: Admixed American, 0.0017%; no homozygotes.

Submission:

Women's Health and Genetics/Laboratory Corporation of America, LabCorp
Classification: Uncertain significance. Last evaluated: 2024-01-08. Review status: criteria provided, single submitter. Criteria: LabCorp Variant Classification Summary - May 2015. Collection method: clinical testing. Allele origin: germline.
Comment: Variant summary: LRP5 c.893G>A (p.Arg298His) results in a non-conservative amino acid change located in the EGF-like domain (IPR000742) of the encoded protein sequence. Three of five in-silico tools predict a benign effect of the variant on protein function. The frequency data for this variant in gnomAD is considered unreliable, as metrics indicate poor data quality at this position. c.893G>A has been reported in the literature in individuals affected with Vitreoretinopathy (Chen_2022). This report does not provide unequivocal conclusions about association of the variant with Familial Exudative Vitreoretinopathy. To our knowledge, no experimental evidence demonstrating an impact on protein function has been reported. The following publication have been ascertained in the context of this evaluation (PMID: 36018796). No submitters have cited clinical-significance assessments for this variant to ClinVar. Based on the evidence outlined above, the variant was classified as uncertain significance.

Literature cited by the submitters: PubMed 36018796.